The following is an entry in ClinVar:

NM_000093.5(COL5A1):c.5086C>T (p.Pro1696Ser)

Genes: COL5A1 (collagen type V alpha 1 chain; plus strand), LOC101448202 (uncharacterized LOC101448202; minus strand). Cytogenetic location: 9q34.3.
Variant type: single nucleotide variant.
Coding change: c.5086C>T on transcript NM_000093.5 (MANE Select); coding-DNA position 5086, C replaced by T.
Protein change: p.Pro1696Ser; replaces proline 1696 with serine.
Molecular consequence: missense variant. On other transcripts: intron variant (1).
Genome position (GRCh38, 1-based): chr9:134,829,994, C>T. VCF-style: chr9-134829994-C-T. GRCh37 (hg19) VCF-style: chr9-137721840-C-T.
Other names: c.5068-114C>T (NM_001278074.1); short protein forms P1696S.
Identifiers: ClinVar variation 2730750 (VCV002730750.1), dbSNP rs369928730, ClinGen allele CA375459314.
Genomic context (GRCh38, chr9:134,829,994, plus strand): 5'-GTTCTGTTTCTCTCCCTCCCCACCTCCCCGCTGCATGTTTAGGCCAGAATCACTTCTTGG[C>T]CCAAAGAAAACCCGGGCTCCTGGTTCAGTGAATTCAAGCGTGGGAAACTGGTAAGGTGGC-3'
Protein context (NP_000084.3, residues 1686-1706): KSEGARITSW[Pro1696Ser]KENPGSWFSE

ClinVar aggregate classification (germline): Uncertain significance (1 of 4 stars; one submission).

Conditions:
Ehlers-Danlos syndrome, classic type, 1 (EDSCL1). Also called: EHLERS-DANLOS SYNDROME, GRAVIS TYPE; EHLERS-DANLOS SYNDROME, SEVERE CLASSIC TYPE; Ehlers-Danlos syndrome, type 1; Ehlers-Danlos Syndrome, Classic Type, COL5A1-Related; EDS I. Identifiers: MedGen C0268335, MONDO:0019567, OMIM 130000.

Allele frequency attached by ClinVar (database versions not stated): gnomAD exomes below 0.00001.
gnomAD v4.1: 1 of 1,613,816 alleles (0.000062%); highest among the groups gnomAD compares: Non-Finnish European, 0.000085%; no homozygotes.

Submission:

Labcorp Genetics (formerly Invitae), Labcorp
Classification: Uncertain significance for Ehlers-Danlos syndrome, classic type, 1. Last evaluated: 2023-09-28. Review status: criteria provided, single submitter. Criteria: Invitae Variant Classification Sherloc (09022015). Collection method: clinical testing. Allele origin: germline.
Comment: This sequence change replaces proline, which is neutral and non-polar, with serine, which is neutral and polar, at codon 1696 of the COL5A1 protein (p.Pro1696Ser). This variant is not present in population databases (gnomAD no frequency). This variant has not been reported in the literature in individuals affected with COL5A1-related conditions. Advanced modeling of protein sequence and biophysical properties (such as structural, functional, and spatial information, amino acid conservation, physicochemical variation, residue mobility, and thermodynamic stability) performed at Invitae indicates that this missense variant is not expected to disrupt COL5A1 protein function. In summary, the available evidence is currently insufficient to determine the role of this variant in disease. Therefore, it has been classified as a Variant of Uncertain Significance.